The following is an entry in ClinVar:

ClinVar aggregate classification (germline): Uncertain significance (1 of 4 stars; one submission).

Submission:

GeneDx
Classification: Uncertain significance. Last evaluated: 2025-06-07. Review status: criteria provided, single submitter. Criteria: GeneDx Variant Classification Process June 2021. Collection method: clinical testing. Allele origin: germline. Affected: yes.
Comment: Not observed at significant frequency in large population cohorts (gnomAD); In silico analysis suggests that this missense variant does not alter protein structure/function; Has not been previously published as pathogenic or benign to our knowledge

NM_015001.3(SPEN):c.10460C>G (p.Ser3487Cys)

Gene: SPEN (spen family transcriptional repressor; plus strand). Cytogenetic location: 1p36.13.
Variant type: single nucleotide variant.
Coding change: c.10460C>G on transcript NM_015001.3 (MANE Select); coding-DNA position 10460, C replaced by G.
Protein change: p.Ser3487Cys; replaces serine 3487 with cysteine.
Molecular consequence: missense variant.
Genome position (GRCh38, 1-based): chr1:15,937,596, C>G. VCF-style: chr1-15937596-C-G. GRCh37 (hg19) VCF-style: chr1-16264091-C-G.
Other names: short protein forms S3487C.
Identifiers: ClinVar variation 4536568 (VCV004536568.1).